The following is an entry in ClinVar:

NM_015557.3(CHD5):c.4372G>A (p.Gly1458Arg)

Gene: CHD5 (chromodomain helicase DNA binding protein 5; minus strand). Cytogenetic location: 1p36.31.
Variant type: single nucleotide variant.
Coding change: c.4372G>A on transcript NM_015557.3 (MANE Select); coding-DNA position 4372, G replaced by A.
Protein change: p.Gly1458Arg; replaces glycine 1458 with arginine.
Molecular consequence: missense variant.
Genome position (GRCh38, 1-based): chr1:6,125,122, C>T on the plus strand (G>A on the coding strand, the complement: CHD5 is on the minus strand). VCF-style: chr1-6125122-C-T. GRCh37 (hg19) VCF-style: chr1-6185182-C-T.
Other names: short protein forms G1458R.
Identifiers: ClinVar variation 4840501 (VCV004840501.1).
Genomic context (GRCh38, chr1:6,125,122, plus strand): 5'-AGGTGGTCACACCCTGGGCCACCACCTAGCCCCTTTACCTAAACTCCTTCTCGCTCTTCC[C>T]TCGAAGGTCCCGCACCAGCCAGTGGGAGTTGAAGGCGTCCTGCGGGGGCATGCCCCAGCG-3'
Protein context (NP_056372.1, residues 1448-1468): NSHWLVRDLR[Gly1458Arg]KSEKEFRAYV

ClinVar aggregate classification (germline): Uncertain significance (1 of 4 stars; one submission).

Conditions:
Inborn genetic diseases. Identifiers: MedGen C0950123, MeSH D030342.

Submission:

Ambry Genetics
Classification: Uncertain significance for Inborn genetic diseases. Last evaluated: 2026-03-04. Review status: criteria provided, single submitter. Criteria: Ambry Variant Classification Scheme 2023. Collection method: clinical testing. Allele origin: germline.
Comment: The c.4372G>A (p.G1458R) alteration is located in exon 29 (coding exon 29) of the CHD5 gene. This alteration results from a G to A substitution at nucleotide position 4372, causing the glycine (G) at amino acid position 1458 to be replaced by an arginine (R). This variant was not reported in population-based cohorts in the Genome Aggregation Database (gnomAD). This amino acid position is highly conserved in available vertebrate species. This missense variant is located in a region that has a low rate of benign missense variation (Lek, 2016; Firth, 2009). This alteration is predicted to be deleterious by in silico analysis. Based on insufficient or conflicting evidence, the clinical significance of this alteration remains unclear.